The following is an entry in ClinVar:

ClinVar aggregate classification (germline): Conflicting classifications of pathogenicity. Review status: criteria provided, conflicting classifications (1 of 4 stars). 4 submissions from 4 submitters: Uncertain significance (3); Likely benign (1). Last evaluated 2023-03-23.

Conditions:
Hereditary cancer-predisposing syndrome. Also called: Tumor predisposition; Hereditary neoplastic syndrome; Neoplastic Syndromes, Hereditary; Hereditary Cancer Syndrome. Identifiers: Orphanet 140162, MedGen C0027672, MeSH D009386, MONDO:0015356.
Hereditary breast ovarian cancer syndrome. Also called: Hereditary breast and ovarian cancer syndrome (HBOC); Breast and ovarian cancer; BRCA1- and BRCA2-Associated Hereditary Breast and Ovarian Cancer; Hereditary breast and/or ovarian cancer syndrome; Hereditary breast and ovarian cancer syndrome; Hereditary breast and ovarian cancer. Identifiers: Orphanet 145, MedGen C0677776, MeSH D061325, MONDO:0003582. Disease mechanism: loss of function.

Submissions (4):

University of Washington Department of Laboratory Medicine, University of Washington
Classification: Likely benign for Hereditary cancer-predisposing syndrome. Last evaluated: 2023-03-23. Review status: criteria provided, single submitter. Criteria: Dines et al. (Genet Med. 2020). Collection method: curation. Allele origin: germline.
Comment: Missense variant in a coldspot region where missense variants are very unlikely to be pathogenic (PMID:31911673).

BRCA1 coldspot (exon 11 using historical exon numbering). Reclassification based on statistical prior probability

Labcorp Genetics (formerly Invitae), Labcorp
Classification: Uncertain significance for Hereditary breast ovarian cancer syndrome. Last evaluated: 2023-02-18. Review status: criteria provided, single submitter. Criteria: Invitae Variant Classification Sherloc (09022015). Collection method: clinical testing. Allele origin: germline.
Comment: In summary, the available evidence is currently insufficient to determine the role of this variant in disease. Therefore, it has been classified as a Variant of Uncertain Significance. Advanced modeling of protein sequence and biophysical properties (such as structural, functional, and spatial information, amino acid conservation, physicochemical variation, residue mobility, and thermodynamic stability) performed at Invitae indicates that this missense variant is not expected to disrupt BRCA1 protein function. ClinVar contains an entry for this variant (Variation ID: 818986). This variant has not been reported in the literature in individuals affected with BRCA1-related conditions. This variant is not present in population databases (gnomAD no frequency). This sequence change replaces asparagine, which is neutral and polar, with aspartic acid, which is acidic and polar, at codon 455 of the BRCA1 protein (p.Asn455Asp).

Color Diagnostics, LLC DBA Color Health
Classification: Uncertain significance for Hereditary cancer-predisposing syndrome. Last evaluated: 2020-12-23. Review status: criteria provided, single submitter. Criteria: ACMG Guidelines, 2015. Collection method: clinical testing. Allele origin: germline.
Comment: This missense variant replaces asparagine with aspartic acid at codon 455 of the BRCA1 protein. Computational prediction suggests that this variant may not impact protein structure and function (internally defined REVEL score threshold <= 0.5, PMID: 27666373). To our knowledge, functional studies have not been reported for this variant. This variant has not been reported in individuals affected with hereditary cancer in the literature. This variant has not been identified in the general population by the Genome Aggregation Database (gnomAD). The available evidence is insufficient to determine the role of this variant in disease conclusively. Therefore, this variant is classified as a Variant of Uncertain Significance.

Ambry Genetics
Classification: Uncertain significance for Hereditary cancer-predisposing syndrome. Last evaluated: 2019-09-13. Review status: criteria provided, single submitter. Criteria: Ambry Variant Classification Scheme 2023. Collection method: clinical testing. Allele origin: germline.
Comment: The p.N455D variant (also known as c.1363A>G), located in coding exon 9 of the BRCA1 gene, results from an A to G substitution at nucleotide position 1363. The asparagine at codon 455 is replaced by aspartic acid, an amino acid with highly similar properties. This amino acid position is not well conserved in available vertebrate species. In addition, the in silico prediction for this alteration is inconclusive. Since supporting evidence is limited at this time, the clinical significance of this alteration remains unclear.

NM_007294.4(BRCA1):c.1363A>G (p.Asn455Asp)

Gene: BRCA1 (BRCA1 DNA repair associated; minus strand). Cytogenetic location: 17q21.31.
Variant type: single nucleotide variant.
Coding change: c.1363A>G on transcript NM_007294.4 (MANE Select); coding-DNA position 1363, A replaced by G.
Protein change: p.Asn455Asp; replaces asparagine 455 with aspartic acid.
Molecular consequence: missense variant. On other transcripts: intron variant (137).
Genome position (GRCh38, 1-based): chr17:43,094,168, T>C on the plus strand (A>G on the coding strand, the complement: BRCA1 is on the minus strand). VCF-style: chr17-43094168-T-C. GRCh37 (hg19) VCF-style: chr17-41246185-T-C.
Other names: c.1150A>G, p.Asn384Asp (NM_001407571.1, NM_001407853.1, NM_001407894.1 and 9 more transcripts); c.1363A>G, p.Asn455Asp (NM_001407581.1, NM_001407582.1, NM_001407583.1 and 30 more transcripts); c.1360A>G, p.Asn454Asp (NM_001407587.1, NM_001407590.1, NM_001407591.1 and 22 more transcripts); c.1354A>G, p.Asn452Asp (NM_001407646.1, NM_001407647.1); c.1240A>G, p.Asn414Asp (NM_001407648.1, NM_001407664.1, NM_001407665.1 and 19 more transcripts); c.1237A>G, p.Asn413Asp (NM_001407649.1, NM_001407670.1, NM_001407671.1 and 11 more transcripts); c.1285A>G, p.Asn429Asp (NM_001407653.1, NM_001407654.1, NM_001407655.1 and 4 more transcripts); c.1282A>G, p.Asn428Asp (NM_001407659.1, NM_001407660.1, NM_001407661.1 and 1 more transcripts); and 40 more; short protein forms N455D, N408D, N367D, N387D, N414D, N429D, N452D, N287D.
Identifiers: ClinVar variation 818986 (VCV000818986.12), dbSNP rs1468740591, ClinGen allele CA10599323.